The following is an entry in ClinVar:

ClinVar aggregate classification (germline): Uncertain significance (1 of 4 stars; one submission).

Allele frequency attached by ClinVar (database versions not stated): ExAC 0.00001.
gnomAD v4.1: 1 of 1,611,580 alleles (0.000062%); highest among the groups gnomAD compares: Admixed American, 0.0017%; no homozygotes.

Submission:

Labcorp Genetics (formerly Invitae), Labcorp
Classification: Uncertain significance. Last evaluated: 2021-12-30. Review status: criteria provided, single submitter. Criteria: Invitae Variant Classification Sherloc (09022015). Collection method: clinical testing. Allele origin: germline.
Comment: This sequence change replaces threonine, which is neutral and polar, with lysine, which is basic and polar, at codon 1414 of the EPRS protein (p.Thr1414Lys). This variant is present in population databases (rs752600692, gnomAD 0.003%). This variant has not been reported in the literature in individuals affected with EPRS-related conditions. Algorithms developed to predict the effect of missense changes on protein structure and function output the following: SIFT: "Deleterious"; PolyPhen-2: "Benign"; Align-GVGD: "Class C0". The lysine amino acid residue is found in multiple mammalian species, which suggests that this missense change does not adversely affect protein function. In summary, the available evidence is currently insufficient to determine the role of this variant in disease. Therefore, it has been classified as a Variant of Uncertain Significance.

NM_004446.3(EPRS1):c.4241C>A (p.Thr1414Lys)

Gene: EPRS1 (glutamyl-prolyl-tRNA synthetase 1; minus strand). Cytogenetic location: 1q41.
Variant type: single nucleotide variant.
Coding change: c.4241C>A on transcript NM_004446.3 (MANE Select); coding-DNA position 4241, C replaced by A.
Protein change: p.Thr1414Lys; replaces threonine 1414 with lysine.
Molecular consequence: missense variant.
Genome position (GRCh38, 1-based): chr1:219,973,241, G>T on the plus strand (C>A on the coding strand, the complement: EPRS1 is on the minus strand). VCF-style: chr1-219973241-G-T. GRCh37 (hg19) VCF-style: chr1-220146583-G-T.
Other names: short protein forms T1414K.
Identifiers: ClinVar variation 1971393 (VCV001971393.2), dbSNP rs752600692, ClinGen allele CA1399475.
Genomic context (GRCh38, chr1:219,973,241, plus strand): 5'-ATCTCAAAGGTGGTGGAAGATCTGGAGAGAGAGACATAAGCAATTTTAAGAAACTACCTT[G>T]TGAAAAGGGTGACCTGGATGTCTTCCAAAATAGCTTGAAGTTTAGTCTCTGCCTCATTTT-3'
Protein context (NP_004437.2, residues 1404-1424): ILEDIQVTLF[Thr1414Lys]RASEDLKTHM